The following is an entry in ClinVar:

ClinVar aggregate classification (germline): Uncertain significance (1 of 4 stars; one submission).

Allele frequency attached by ClinVar (database versions not stated): gnomAD exomes below 0.00001; ExAC 0.00001.
gnomAD v4.1: 3 of 1,614,154 alleles (0.00019%); highest among the groups gnomAD compares: East Asian, 0.0045%; no homozygotes.

Submission:

Labcorp Genetics (formerly Invitae), Labcorp
Classification: Uncertain significance. Last evaluated: 2022-12-17. Review status: criteria provided, single submitter. Criteria: Invitae Variant Classification Sherloc (09022015). Collection method: clinical testing. Allele origin: germline.
Comment: This sequence change replaces proline, which is neutral and non-polar, with leucine, which is neutral and non-polar, at codon 2088 of the POLE protein (p.Pro2088Leu). This variant is present in population databases (rs780635663, gnomAD 0.006%). This variant has not been reported in the literature in individuals affected with POLE-related conditions. ClinVar contains an entry for this variant (Variation ID: 1054919). Advanced modeling of protein sequence and biophysical properties (such as structural, functional, and spatial information, amino acid conservation, physicochemical variation, residue mobility, and thermodynamic stability) performed at Invitae indicates that this missense variant is not expected to disrupt POLE protein function. In summary, the available evidence is currently insufficient to determine the role of this variant in disease. Therefore, it has been classified as a Variant of Uncertain Significance.

NM_006231.4(POLE):c.6263C>T (p.Pro2088Leu)

Gene: POLE (DNA polymerase epsilon, catalytic subunit; minus strand). Cytogenetic location: 12q24.33.
Variant type: single nucleotide variant.
Coding change: c.6263C>T on transcript NM_006231.4 (MANE Select); coding-DNA position 6263, C replaced by T.
Protein change: p.Pro2088Leu; replaces proline 2088 with leucine.
Molecular consequence: missense variant.
Genome position (GRCh38, 1-based): chr12:132,632,382, G>A on the plus strand (C>T on the coding strand, the complement: POLE is on the minus strand). VCF-style: chr12-132632382-G-A. GRCh37 (hg19) VCF-style: chr12-133208968-G-A.
Other names: short protein forms P2088L.
Identifiers: ClinVar variation 1054919 (VCV001054919.9), dbSNP rs780635663, ClinGen allele CA6892238.